The following is an entry in ClinVar:

NM_001084.5(PLOD3):c.169C>T (p.Arg57Cys)

Gene: PLOD3 (procollagen-lysine,2-oxoglutarate 5-dioxygenase 3; minus strand). Cytogenetic location: 7q22.1.
Variant type: single nucleotide variant.
Coding change: c.169C>T on transcript NM_001084.5 (MANE Select); coding-DNA position 169, C replaced by T.
Protein change: p.Arg57Cys; replaces arginine 57 with cysteine.
Molecular consequence: missense variant.
Genome position (GRCh38, 1-based): chr7:101,216,727, G>A on the plus strand (C>T on the coding strand, the complement: PLOD3 is on the minus strand). VCF-style: chr7-101216727-G-A. GRCh37 (hg19) VCF-style: chr7-100860008-G-A.
Other names: c.169C>T (NM_001084.4); short protein forms R57C.
Identifiers: ClinVar variation 1408438 (VCV001408438.4), dbSNP rs763295820, ClinGen allele CA4408307.

ClinVar aggregate classification (germline): Uncertain significance. Review status: criteria provided, multiple submitters, no conflicts (2 of 4 stars). 2 submissions from 2 submitters: Uncertain significance (2). Last evaluated 2024-08-28.

Conditions:
Inborn genetic diseases. Identifiers: MedGen C0950123, MeSH D030342.

Allele frequency attached by ClinVar (database versions not stated): gnomAD 0.00005; ExAC 0.00002; TOPMed 0.00003.
gnomAD v4.1: 99 of 1,613,616 alleles (0.0061%); highest among the groups gnomAD compares: Non-Finnish European, 0.0082%; no homozygotes.

Submissions (2):

Ambry Genetics
Classification: Uncertain significance for Inborn genetic diseases. Last evaluated: 2024-08-28. Review status: criteria provided, single submitter. Criteria: Ambry Variant Classification Scheme 2023. Collection method: clinical testing. Allele origin: germline.

Labcorp Genetics (formerly Invitae), Labcorp
Classification: Uncertain significance. Last evaluated: 2022-10-17. Review status: criteria provided, single submitter. Criteria: Invitae Variant Classification Sherloc (09022015). Collection method: clinical testing. Allele origin: germline.
Comment: This sequence change replaces arginine, which is basic and polar, with cysteine, which is neutral and slightly polar, at codon 57 of the PLOD3 protein (p.Arg57Cys). This variant is present in population databases (rs763295820, gnomAD 0.008%). This variant has not been reported in the literature in individuals affected with PLOD3-related conditions. ClinVar contains an entry for this variant (Variation ID: 1408438). Algorithms developed to predict the effect of missense changes on protein structure and function are either unavailable or do not agree on the potential impact of this missense change (SIFT: "Deleterious"; PolyPhen-2: "Possibly Damaging"; Align-GVGD: "Class C0"). In summary, the available evidence is currently insufficient to determine the role of this variant in disease. Therefore, it has been classified as a Variant of Uncertain Significance.